The following is an entry in ClinVar:

ClinVar aggregate classification (germline): Uncertain significance. Review status: criteria provided, multiple submitters, no conflicts (2 of 4 stars). 3 submissions from 3 submitters: Uncertain significance (3). Last evaluated 2025-12-10.

Conditions:
CD151-related disorder. Also called: CD151-related condition.
Epidermolysis bullosa simplex 7, with nephropathy and deafness. Also called: Nephrotic syndrome - deafness - pretibial epidermolysis bullosa syndrome; Nephropathy with Pretibial Epidermolysis Bullosa and Deafness. Identifiers: Orphanet 300333, MedGen C1836823, MONDO:0012190, OMIM 609057.
RAPH BLOOD GROUP SYSTEM. Also called: MER2 BLOOD CELL ANTIGEN EXPRESSION. Identifiers: MedGen C1867341, OMIM 179620.

Allele frequency attached by ClinVar (database versions not stated): ESP Exome Variant Server 0.00015.
gnomAD v4.1: 117 of 1,612,164 alleles (0.0073%); highest among the groups gnomAD compares: East Asian, 0.047%; no homozygotes.

Submissions (3):

PreventionGenetics, part of Exact Sciences
Classification: Uncertain significance for CD151-related condition. Last evaluated: 2025-12-10. Review status: criteria provided, single submitter. Criteria: ACMG Guidelines, 2015. Collection method: clinical testing. Allele origin: germline.
Comment: The CD151 c.16G>A variant is predicted to result in the amino acid substitution p.Glu6Lys. To our knowledge, this variant has not been reported in the literature. This variant is reported in 0.15% of alleles in individuals of East Asian descent in gnomAD. Although we suspect that this variant may be benign, at this time, the clinical significance of this variant is uncertain due to the absence of conclusive functional and genetic evidence.

Labcorp Genetics (formerly Invitae), Labcorp
Classification: Uncertain significance. Last evaluated: 2024-08-13. Review status: criteria provided, single submitter. Criteria: Invitae Variant Classification Sherloc (09022015). Collection method: clinical testing. Allele origin: germline.
Comment: This sequence change replaces glutamic acid, which is acidic and polar, with lysine, which is basic and polar, at codon 6 of the CD151 protein (p.Glu6Lys). This variant is present in population databases (rs371206840, gnomAD 0.2%), and has an allele count higher than expected for a pathogenic variant. This variant has not been reported in the literature in individuals affected with CD151-related conditions. ClinVar contains an entry for this variant (Variation ID: 1408948). An algorithm developed to predict the effect of missense changes on protein structure and function outputs the following: PolyPhen-2: "Benign". The lysine amino acid residue is found in multiple mammalian species, which suggests that this missense change does not adversely affect protein function. In summary, the available evidence is currently insufficient to determine the role of this variant in disease. Therefore, it has been classified as a Variant of Uncertain Significance.

Fulgent Genetics
Classification: Uncertain significance for RAPH BLOOD GROUP SYSTEM; Epidermolysis bullosa simplex 7, with nephropathy and deafness. Last evaluated: 2021-12-29. Review status: criteria provided, single submitter. Criteria: ACMG Guidelines, 2015. Collection method: clinical testing. Allele origin: unknown.

NM_004357.5(CD151):c.16G>A (p.Glu6Lys)

Gene: CD151 (CD151 molecule (Raph blood group); plus strand). Cytogenetic location: 11p15.5.
Variant type: single nucleotide variant.
Coding change: c.16G>A on transcript NM_004357.5 (MANE Select); coding-DNA position 16, G replaced by A.
Protein change: p.Glu6Lys; replaces glutamic acid 6 with lysine.
Molecular consequence: missense variant.
Genome position (GRCh38, 1-based): chr11:836,085, G>A. VCF-style: chr11-836085-G-A. GRCh37 (hg19) VCF-style: chr11-836085-G-A.
Other names: c.16G>A, p.Glu6Lys (NM_001039490.2, NM_139029.2, NM_139030.4); c.16G>A (NM_004357.4); short protein forms E6K.
Identifiers: ClinVar variation 1408948 (VCV001408948.10), dbSNP rs371206840, ClinGen allele CA5792008.